The following is an entry in ClinVar:

ClinVar aggregate classification (germline): Uncertain significance (1 of 4 stars; one submission).

Submission:

GeneDx
Classification: Uncertain significance. Last evaluated: 2026-10-11. Review status: criteria provided, single submitter. Criteria: GeneDx Variant Classification Process June 2021. Collection method: clinical testing. Allele origin: germline.
Comment: Not observed at significant frequency in large population cohorts (gnomAD); In silico analysis supports that this missense variant does not alter protein structure/function; Has not been previously published as pathogenic or benign to our knowledge

NM_015057.5(MYCBP2):c.4559T>C (p.Leu1520Ser)

Gene: MYCBP2 (MYC binding protein 2; minus strand). Cytogenetic location: 13q22.3.
Variant type: single nucleotide variant.
Coding change: c.4559T>C on transcript NM_015057.5 (MANE Select); coding-DNA position 4559, T replaced by C.
Protein change: p.Leu1520Ser; replaces leucine 1520 with serine.
Molecular consequence: missense variant.
Genome position (GRCh38, 1-based): chr13:77,185,263, A>G on the plus strand (T>C on the coding strand, the complement: MYCBP2 is on the minus strand). VCF-style: chr13-77185263-A-G. GRCh37 (hg19) VCF-style: chr13-77759398-A-G.
Other names: short protein forms L1520S.
Identifiers: ClinVar variation 3369043 (VCV003369043.2).